The following is an entry in ClinVar:

ClinVar aggregate classification (germline): Uncertain significance (1 of 4 stars; one submission).

Submission:

GeneDx
Classification: Uncertain significance. Last evaluated: 2019-12-20. Review status: criteria provided, single submitter. Criteria: GeneDx Variant Classification Process June 2021. Collection method: clinical testing. Allele origin: germline. Affected: yes.
Comment: Has not been previously published as pathogenic or benign to our knowledge; Frameshift variant predicted to result in protein truncation or nonsense mediated decay in an alternate transcript in which loss-of-function is not a known mechanism of disease; Not observed in large population cohorts (Lek et al., 2016)

NM_001291415.2(KDM6A):c.1376_1379del (p.Ser459fs)

Gene: KDM6A (lysine demethylase 6A; plus strand). Cytogenetic location: Xp11.3.
Variant type: Deletion.
Coding change: c.1376_1379del on transcript NM_001291415.2 (MANE Select); coding-DNA positions 1376 to 1379, 4 bases deleted (GTCA; older notation c.1376_1379delGTCA).
Protein change: p.Ser459fs; shifts the reading frame from serine 459.
Molecular consequence: frameshift variant. On other transcripts: non-coding transcript variant (1), intron variant (4).
Genome position (GRCh38, 1-based): chrX:45,060,655-45,060,658, GTCA deleted; deleting any 4 consecutive bases within chrX:45,060,652-45,060,658 gives the same sequence; the c. name uses the placement nearest the transcript's 3' end. VCF-style (leftmost placement, unchanged base first): chrX-45060651-CTCAG-C. GRCh37 (hg19) VCF-style: chrX-44919896-CTCAG-C.
Other names: c.1241_1244del, p.Ser414fs (NM_001291416.2); c.1329+499_1329+502del (NM_021140.4); c.1195-669_1195-666del (NM_001291417.2, NM_001291418.2); c.442-669_442-666del (NM_001291421.2); short protein forms S414fs, S459fs.
Identifiers: ClinVar variation 1310382 (VCV001310382.2), dbSNP rs2147969350, ClinGen allele CA2573055327.